The following is an entry in ClinVar:

NM_001283009.2(RTEL1):c.3016C>A (p.Leu1006Met)

Genes: RTEL1 (regulator of telomere elongation helicase 1; plus strand), RTEL1-TNFRSF6B (RTEL1-TNFRSF6B readthrough (NMD candidate); plus strand). Cytogenetic location: 20q13.33.
Variant type: single nucleotide variant.
Coding change: c.3016C>A on transcript NM_001283009.2 (MANE Select); coding-DNA position 3016, C replaced by A.
Protein change: p.Leu1006Met; replaces leucine 1006 with methionine.
Molecular consequence: missense variant. On other transcripts: non-coding transcript variant (1).
Genome position (GRCh38, 1-based): chr20:63,694,395, C>A. VCF-style: chr20-63694395-C-A. GRCh37 (hg19) VCF-style: chr20-62325748-C-A.
Other names: c.2347C>A, p.Leu783Met (NM_001283010.1); c.3016C>A, p.Leu1006Met (NM_016434.4); c.3088C>A, p.Leu1030Met (NM_032957.5); short protein forms L1006M, L1030M, L783M.
Identifiers: ClinVar variation 4863584 (VCV004863584.1).

ClinVar aggregate classification (germline): Uncertain significance (1 of 4 stars; one submission).

Conditions:
Inborn genetic diseases. Identifiers: MedGen C0950123, MeSH D030342.

Submission:

Ambry Genetics
Classification: Uncertain significance for Inborn genetic diseases. Last evaluated: 2026-05-14. Review status: criteria provided, single submitter. Criteria: Ambry Variant Classification Scheme 2023. Collection method: clinical testing. Allele origin: germline.
Comment: The p.L1006M variant (also known as c.3016C>A), located in coding exon 30 of the RTEL1 gene, results from a C to A substitution at nucleotide position 3016. The leucine at codon 1006 is replaced by methionine, an amino acid with highly similar properties. This amino acid position is conserved. In addition, this alteration is predicted to be tolerated by in silico analysis. Based on the available evidence, the clinical significance of this variant remains unclear.